The following is an entry in ClinVar:

ClinVar aggregate classification (germline): Conflicting classifications of pathogenicity. Review status: criteria provided, conflicting classifications (1 of 4 stars). 10 submissions from 6 submitters: Uncertain significance (6); Likely benign (4). Last evaluated 2026-04-06.

Conditions:
Cardiovascular phenotype. Identifiers: MedGen CN230736.
TTN-related disorder. Also called: TTN-related condition; TTN-related disease; TTN-related disorders.
Myopathy, myofibrillar, 9, with early respiratory failure (MFM9). Also called: Hereditary myopathy with early respiratory failure; MYOPATHY, PROXIMAL, WITH EARLY RESPIRATORY MUSCLE INVOLVEMENT; EDSTROM MYOPATHY; Myopathy, distal, with early respiratory failure, autosomal dominant. Identifiers: Orphanet 178464, Orphanet 34521, MedGen C1863599, MONDO:0011362, OMIM 603689.
Dilated cardiomyopathy 1G (CMD1G). Identifiers: Orphanet 154, MedGen C1858763, MONDO:0011400, OMIM 604145.
Tibial muscular dystrophy (TMD). Also called: Udd Distal Myopathy – Tibial Muscular Dystrophy; UDD MYOPATHY; Tibial muscular dystrophy, tardive. Identifiers: Orphanet 609, MedGen C1838244, MONDO:0010870, OMIM 600334.
Early-onset myopathy with fatal cardiomyopathy (CMYO5). Also called: Salih Myopathy; CONGENITAL MYOPATHY 5 WITH CARDIOMYOPATHY. Identifiers: Orphanet 289377, MedGen C2673677, MONDO:0012714, OMIM 611705. Disease mechanism: loss of function.
Autosomal recessive limb-girdle muscular dystrophy type 2J (LGMDR10). Also called: Limb-girdle muscular dystrophy, type 2J; MUSCULAR DYSTROPHY, LIMB-GIRDLE, AUTOSOMAL RECESSIVE 10. Identifiers: Orphanet 140922, MedGen C1837342, MONDO:0012127, OMIM 608807.

Allele frequency attached by ClinVar (database versions not stated): gnomAD 0.00006; TOPMed 0.00006.
gnomAD v4.1: 136 of 1,613,646 alleles (0.0084%); highest among the groups gnomAD compares: Non-Finnish European, 0.011%; no homozygotes.

Submissions (10):

PreventionGenetics, part of Exact Sciences
Classification: Uncertain significance for TTN-related condition. Last evaluated: 2026-04-06. Review status: criteria provided, single submitter. Criteria: ACMG Guidelines, 2015. Collection method: clinical testing. Allele origin: germline.
Comment: The TTN c.101890C>A variant is predicted to result in the amino acid substitution p.Arg33964Ser. To our knowledge, this variant has not been reported in the literature. This variant is reported in 0.012% of alleles in individuals of European (Non-Finnish) descent in gnomAD. At this time, the clinical significance of this variant is uncertain due to the absence of conclusive functional and genetic evidence.

Mayo Clinic Laboratories, Mayo Clinic
Classification: Uncertain significance. Last evaluated: 2022-04-15. Review status: criteria provided, single submitter. Criteria: ACMG Guidelines, 2015. Collection method: clinical testing. Allele origin: germline. Observed: 1 variant allele.

GeneDx
Classification: Likely benign. Last evaluated: 2020-11-19. Review status: criteria provided, single submitter. Criteria: GeneDx Variant Classification Process June 2021. Collection method: clinical testing. Allele origin: germline. Affected: yes.

Ambry Genetics
Classification: Likely benign for Cardiovascular phenotype. Last evaluated: 2020-03-20. Review status: criteria provided, single submitter. Criteria: Ambry Variant Classification Scheme 2023. Collection method: clinical testing. Allele origin: germline.

Illumina Laboratory Services, Illumina
Classification: Uncertain significance for Dilated cardiomyopathy 1G. Last evaluated: 2018-01-13. Review status: criteria provided, single submitter. Criteria: ICSL Variant Classification Criteria 13 December 2019. Collection method: clinical testing. Allele origin: germline.

Illumina Laboratory Services, Illumina
Classification: Likely benign for Myopathy, myofibrillar, 9, with early respiratory failure. Last evaluated: 2018-01-13. Review status: criteria provided, single submitter. Criteria: ICSL Variant Classification Criteria 13 December 2019. Collection method: clinical testing. Allele origin: germline.
Comment: This variant was observed in the ICSL laboratory as part of a predisposition screen in an ostensibly healthy population. It had not been previously curated by ICSL or reported in the Human Gene Mutation Database (HGMD: prior to June 1st, 2018), and was therefore a candidate for classification through an automated scoring system. Utilizing variant allele frequency, disease prevalence and penetrance estimates, and inheritance mode, an automated score was calculated to assess if this variant is too frequent to cause the disease. Based on the score and internal cut-off values, a variant classified as likely benign is not then subjected to further curation. The score for this variant resulted in a classification of likely benign for this disease.

Illumina Laboratory Services, Illumina
Classification: Uncertain significance for Autosomal recessive limb-girdle muscular dystrophy type 2J. Last evaluated: 2018-01-13. Review status: criteria provided, single submitter. Criteria: ICSL Variant Classification Criteria 13 December 2019. Collection method: clinical testing. Allele origin: germline.

Illumina Laboratory Services, Illumina
Classification: Likely benign for Tibial muscular dystrophy. Last evaluated: 2018-01-13. Review status: criteria provided, single submitter. Criteria: ICSL Variant Classification Criteria 13 December 2019. Collection method: clinical testing. Allele origin: germline.
Comment: the same text as in the submission from Illumina Laboratory Services, Illumina above.

Illumina Laboratory Services, Illumina
Classification: Uncertain significance for Early-onset myopathy with fatal cardiomyopathy. Last evaluated: 2018-01-13. Review status: criteria provided, single submitter. Criteria: ICSL Variant Classification Criteria 13 December 2019. Collection method: clinical testing. Allele origin: germline.

Athena Diagnostics
Classification: Uncertain significance. Last evaluated: 2016-08-30. Review status: criteria provided, single submitter. Criteria: Athena Diagnostics Criteria. Collection method: clinical testing. Allele origin: germline.

NM_001267550.2(TTN):c.101890C>A (p.Arg33964Ser)

Genes: TTN (titin; minus strand), TTN-AS1 (TTN antisense RNA 1; plus strand). Cytogenetic location: 2q31.2.
Variant type: single nucleotide variant.
Coding change: c.101890C>A on transcript NM_001267550.2 (MANE Select); coding-DNA position 101890, C replaced by A.
Protein change: p.Arg33964Ser; replaces arginine 33964 with serine.
Molecular consequence: missense variant.
Genome position (GRCh38, 1-based): chr2:178,534,725, G>T on the plus strand (C>A on the coding strand, the complement: TTN is on the minus strand). VCF-style: chr2-178534725-G-T. GRCh37 (hg19) VCF-style: chr2-179399452-G-T.
Other names: p.Arg31396Ser; c.101890C>A (LRG_391t1); c.96967C>A, p.Arg32323Ser (NM_001256850.1); c.74695C>A, p.Arg24899Ser (NM_003319.4); c.94186C>A, p.Arg31396Ser (NM_133378.4); c.75070C>A, p.Arg25024Ser (NM_133432.3); c.75271C>A, p.Arg25091Ser (NM_133437.4); short protein forms R33964S, R24899S, R32323S, R25024S, R25091S, R31396S.
Identifiers: ClinVar variation 448763 (VCV000448763.12), dbSNP rs779064623, ClinGen allele CA1985826.
Genomic context (GRCh38, chr2:178,534,725, plus strand): 5'-GTGCATAGTATTCTGGGGCAGTGAATAGAAGCCTGAAGTTGTCCCCTGGTTTCAGCTGAC[G>T]GGCTTGACCAAATTCTATGATTTTAATGGTAGAGCTTCTTCTGGTTTGGTAAATGATATT-3'
Protein context (NP_001254479.2, residues 33954-33974): TIKIIEFGQA[Arg33964Ser]QLKPGDNFRL